The following is an entry in ClinVar:

NM_017617.5(NOTCH1):c.6980G>C (p.Arg2327Pro)

Gene: NOTCH1 (notch receptor 1; minus strand). Cytogenetic location: 9q34.3.
Variant type: single nucleotide variant.
Coding change: c.6980G>C on transcript NM_017617.5 (MANE Select); coding-DNA position 6980, G replaced by C.
Protein change: p.Arg2327Pro; replaces arginine 2327 with proline.
Molecular consequence: missense variant.
Genome position (GRCh38, 1-based): chr9:136,496,759, C>G on the plus strand (G>C on the coding strand, the complement: NOTCH1 is on the minus strand). VCF-style: chr9-136496759-C-G. GRCh37 (hg19) VCF-style: chr9-139391211-C-G.
Other names: short protein forms R2327P.
Identifiers: ClinVar variation 2837411 (VCV002837411.3), dbSNP rs202065858, ClinGen allele CA375629459.
Genomic context (GRCh38, chr9:136,496,759, plus strand): 5'-ACCATGCCATGCTGCAGGGAGGGGGCCTGTGTGCTCAGGGGGCCTGGTGCCACACTCCCC[C>G]GCAGAGGGTTGTATTGGTTCGGCACCATGCCGCTCTGCAGCCGGGACAGCCACTCGCATT-3'
Protein context (NP_060087.3, residues 2317-2337): GMVPNQYNPL[Arg2327Pro]GSVAPGPLST

ClinVar aggregate classification (germline): Uncertain significance (1 of 4 stars; one submission).

Conditions:
Adams-Oliver syndrome 5 (AOS5). Identifiers: Orphanet 974, MedGen C4014970, MONDO:0014459, OMIM 616028.

gnomAD v4.1: 4 of 1,612,834 alleles (0.00025%); highest among the groups gnomAD compares: Non-Finnish European, 0.00025%; no homozygotes.

Submission:

Labcorp Genetics (formerly Invitae), Labcorp
Classification: Uncertain significance for Adams-Oliver syndrome 5. Last evaluated: 2023-02-14. Review status: criteria provided, single submitter. Criteria: Invitae Variant Classification Sherloc (09022015). Collection method: clinical testing. Allele origin: germline.
Comment: This sequence change replaces arginine, which is basic and polar, with proline, which is neutral and non-polar, at codon 2327 of the NOTCH1 protein (p.Arg2327Pro). This variant is not present in population databases (gnomAD no frequency). This variant has not been reported in the literature in individuals affected with NOTCH1-related conditions. Advanced modeling of protein sequence and biophysical properties (such as structural, functional, and spatial information, amino acid conservation, physicochemical variation, residue mobility, and thermodynamic stability) performed at Invitae indicates that this missense variant is not expected to disrupt NOTCH1 protein function. In summary, the available evidence is currently insufficient to determine the role of this variant in disease. Therefore, it has been classified as a Variant of Uncertain Significance.